The following is an entry in ClinVar:

NM_001849.4(COL6A2):c.1597C>T (p.Arg533Cys)

Gene: COL6A2 (collagen type VI alpha 2 chain; plus strand). Cytogenetic location: 21q22.3.
Variant type: single nucleotide variant.
Coding change: c.1597C>T on transcript NM_001849.4 (MANE Select); coding-DNA position 1597, C replaced by T.
Protein change: p.Arg533Cys; replaces arginine 533 with cysteine.
Molecular consequence: missense variant.
Genome position (GRCh38, 1-based): chr21:46,122,520, C>T. VCF-style: chr21-46122520-C-T. GRCh37 (hg19) VCF-style: chr21-47542434-C-T.
Other names: c.1597C>T, p.Arg533Cys (NM_058174.3, NM_058175.3); short protein forms R533C.
Identifiers: ClinVar variation 2919684 (VCV002919684.3), dbSNP rs369344717, ClinGen allele CA10072014.
Genomic context (GRCh38, chr21:46,122,520, plus strand): 5'-GAGGCTGAGTCACCCTGGCTTCTGTTTGCTTCACAGGGAGAAAAAGGCGAGCCCGGCCCA[C>T]GCGGCCCCGAGGTATGTGTGGGTCCTGGCCACCTGTGCCCACCCAGGGTGGGGGTCTGCA-3'
Protein context (NP_001840.3, residues 523-543): APGEKGEPGP[Arg533Cys]GPEGGRGDFG

ClinVar aggregate classification (germline): Uncertain significance (1 of 4 stars; one submission).

Conditions:
Bethlem myopathy 1A. Also called: MYOPATHY, BENIGN CONGENITAL, WITH CONTRACTURES; Bethlem myopathy 1; Bethlem Muscular Dystrophy. Identifiers: Orphanet 610, MedGen CN029274, MONDO:0024530, OMIM 158810.

Allele frequency attached by ClinVar (database versions not stated): ExAC 0.00001; gnomAD 0.00001; gnomAD exomes 0.00001; TOPMed 0.00001; ESP Exome Variant Server 0.00008.
gnomAD v4.1: 19 of 1,612,622 alleles (0.0012%); highest among the groups gnomAD compares: Non-Finnish European, 0.0013%; 1 homozygote.

Submission:

Labcorp Genetics (formerly Invitae), Labcorp
Classification: Uncertain significance for Bethlem myopathy 1A. Last evaluated: 2023-06-12. Review status: criteria provided, single submitter. Criteria: Invitae Variant Classification Sherloc (09022015). Collection method: clinical testing. Allele origin: germline.
Comment: This sequence change replaces arginine, which is basic and polar, with cysteine, which is neutral and slightly polar, at codon 533 of the COL6A2 protein (p.Arg533Cys). This variant is present in population databases (rs369344717, gnomAD 0.002%). This variant has not been reported in the literature in individuals affected with COL6A2-related conditions. Advanced modeling of protein sequence and biophysical properties (such as structural, functional, and spatial information, amino acid conservation, physicochemical variation, residue mobility, and thermodynamic stability) performed at Invitae indicates that this missense variant is not expected to disrupt COL6A2 protein function. In summary, the available evidence is currently insufficient to determine the role of this variant in disease. Therefore, it has been classified as a Variant of Uncertain Significance.